The following is an entry in ClinVar:

NM_000388.4(CASR):c.1172T>C (p.Phe391Ser)

Gene: CASR (calcium sensing receptor; plus strand). Cytogenetic location: 3q21.1.
Variant type: single nucleotide variant.
Coding change: c.1172T>C on transcript NM_000388.4 (MANE Select); coding-DNA position 1172, T replaced by C.
Protein change: p.Phe391Ser; replaces phenylalanine 391 with serine.
Molecular consequence: missense variant.
Genome position (GRCh38, 1-based): chr3:122,262,207, T>C. VCF-style: chr3-122262207-T-C. GRCh37 (hg19) VCF-style: chr3-121981054-T-C.
Other names: c.1172T>C, p.Phe391Ser (NM_001178065.2); c.1172T>C (NM_000388.3); short protein forms F391S.
Identifiers: ClinVar variation 1038443 (VCV001038443.11), dbSNP rs2074635544, ClinGen allele CA354152745.

ClinVar aggregate classification (germline): Uncertain significance. Review status: criteria provided, multiple submitters, no conflicts (2 of 4 stars). 3 submissions from 3 submitters: Uncertain significance (3). Last evaluated 2024-07-12.

Conditions:
Familial hypocalciuric hypercalcemia 1. Also called: Hypercalcemia, familial benign type 1. Identifiers: Orphanet 405, Orphanet 93372, MedGen C0342637, MONDO:0007791, OMIM 145980.
Neonatal severe primary hyperparathyroidism. Identifiers: Orphanet 417, MedGen C1832615, MONDO:0009397, OMIM 239200.
Epilepsy, idiopathic generalized, susceptibility to, 8. Identifiers: MedGen C2752062, MONDO:0013032, OMIM 612899.
Autosomal dominant hypocalcemia 1 (HYPOC1). Also called: HYPOCALCEMIA, FAMILIAL. Identifiers: MedGen C3715128, MONDO:0011013, OMIM 601198.
Familial hypocalciuric hypercalcemia (FHH). Also called: Familial benign hypercalcemia. Identifiers: Orphanet 405, MedGen C1809471, MONDO:0018458.

Submissions (3):

GeneDx
Classification: Uncertain significance. Last evaluated: 2024-07-12. Review status: criteria provided, single submitter. Criteria: GeneDx Variant Classification Process June 2021. Collection method: clinical testing. Allele origin: germline. Affected: yes.
Comment: Not observed at significant frequency in large population cohorts (gnomAD); In silico analysis indicates that this missense variant does not alter protein structure/function; Has not been previously published as pathogenic or benign to our knowledge

Fulgent Genetics
Classification: Uncertain significance for Familial hypocalciuric hypercalcemia 1; Neonatal severe primary hyperparathyroidism; Autosomal dominant hypocalcemia 1; Epilepsy, idiopathic generalized, susceptibility to, 8. Last evaluated: 2024-06-04. Review status: criteria provided, single submitter. Criteria: ACMG Guidelines, 2015. Collection method: clinical testing. Allele origin: germline.

Labcorp Genetics (formerly Invitae), Labcorp
Classification: Uncertain significance for Familial hypocalciuric hypercalcemia; Autosomal dominant hypocalcemia 1. Last evaluated: 2022-04-22. Review status: criteria provided, single submitter. Criteria: Invitae Variant Classification Sherloc (09022015). Collection method: clinical testing. Allele origin: germline.
Comment: ClinVar contains an entry for this variant (Variation ID: 1038443). In summary, the available evidence is currently insufficient to determine the role of this variant in disease. Therefore, it has been classified as a Variant of Uncertain Significance. Algorithms developed to predict the effect of missense changes on protein structure and function (SIFT, PolyPhen-2, Align-GVGD) all suggest that this variant is likely to be disruptive. This variant has not been reported in the literature in individuals affected with CASR-related conditions. This variant is not present in population databases (gnomAD no frequency). This sequence change replaces phenylalanine, which is neutral and non-polar, with serine, which is neutral and polar, at codon 391 of the CASR protein (p.Phe391Ser).